The following is an entry in ClinVar:

ClinVar aggregate classification (germline): Conflicting classifications of pathogenicity. Review status: criteria provided, conflicting classifications (1 of 4 stars). 2 submissions from 2 submitters: Likely pathogenic (1); Uncertain significance (1). Last evaluated 2022-02-01.

Conditions:
Cardiovascular phenotype. Identifiers: MedGen CN230736.

Submissions (2):

Ambry Genetics
Classification: Uncertain significance for Cardiovascular phenotype. Last evaluated: 2022-02-01. Review status: criteria provided, single submitter. Criteria: Ambry Variant Classification Scheme 2023. Collection method: clinical testing. Allele origin: germline.
Comment: The p.F383L variant (also known as c.1149C>A), located in coding exon 12 of the CACNB2 gene, results from a C to A substitution at nucleotide position 1149. The phenylalanine at codon 383 is replaced by leucine, an amino acid with highly similar properties. This amino acid position is highly conserved in available vertebrate species. In addition, this alteration is predicted to be deleterious by in silico analysis. The evidence for this gene-disease relationship is limited; therefore, the clinical significance of this alteration is unclear.

GeneDx
Classification: Likely pathogenic. Last evaluated: 2012-05-23. Review status: criteria provided, single submitter. Criteria: GeneDx Variant Classification (06012015). Collection method: clinical testing. Allele origin: germline. Affected: yes.
Comment: p.Phe382Leu (TTC>TTA): c.1146 C>A in exon 12 of the CACNB2 gene (NM_000724.3). Phe382Leu has not been reported as a disease causing mutation or as a common benign polymorphism, to our knowledge. Phe382Leu represents a semi-conservative amino acid change of one non-polar residue for another in a region of the protein evolutionarily conserved. A mutation at a nearby residue (Leu399Phe) has been reported in association with Brugada syndrome, further supporting the functional importance of this region of the protein. In addition, in silico analysis predicts this change to be damaging to the structure/function of the protein and disease-causing. The NHLBI ESP Exome Variant Server reports Phe382Leu was not observed in approximately 5,000 samples from individuals of European and African American backgrounds, indicating it is not a common benign variant in these populations. Therefore, with the clinical and molecular information available at this time, the clinical significance of the Phe382Leu variant in the CACNB2 gene is not clear, although the evidence suggests it may be disease-causing. The variant is found in BRUGADA panel(s).

NM_201596.3(CACNB2):c.1311C>A (p.Phe437Leu)

Gene: CACNB2 (calcium voltage-gated channel auxiliary subunit beta 2; plus strand). Cytogenetic location: 10p12.31.
Variant type: single nucleotide variant.
Coding change: c.1311C>A on transcript NM_201596.3 (MANE Select); coding-DNA position 1311, C replaced by A.
Protein change: p.Phe437Leu; replaces phenylalanine 437 with leucine.
Molecular consequence: missense variant.
Genome position (GRCh38, 1-based): chr10:18,538,188, C>A. VCF-style: chr10-18538188-C-A. GRCh37 (hg19) VCF-style: chr10-18827117-C-A.
Other names: p.F382L:TTC>TTA; c.1146C>A, p.Phe382Leu (NM_000724.4); c.1113C>A, p.Phe371Leu (NM_001167945.2); c.1032C>A, p.Phe344Leu (NM_001330060.2); c.1167C>A, p.Phe389Leu (NM_201570.3); c.1227C>A, p.Phe409Leu (NM_201571.4); c.1155C>A, p.Phe385Leu (NM_201572.4); c.1149C>A, p.Phe383Leu (NM_201590.3); and 2 more; short protein forms F382L, F383L, F437L, F344L, F389L, F371L, F385L, F399L.
Identifiers: ClinVar variation 190725 (VCV000190725.4), dbSNP rs560020203, ClinGen allele CA301842.
Genomic context (GRCh38, chr10:18,538,188, plus strand): 5'-GGGGTGAAAACTGGGCTGGCATCAATGTGGTCTGGAATGTCTGCCTCTGCAGGAGCTGTT[C>A]GATGTGATCTTGGATGAGAACCAGCTTGAGGATGCCTGTGAGCACCTTGCCGACTATCTG-3'
Protein context (NP_963890.2, residues 427-447): DKLAQCPPEL[Phe437Leu]DVILDENQLE